The following is an entry in ClinVar:

NM_005245.4(FAT1):c.10351-597_10412del

Gene: FAT1 (FAT atypical cadherin 1; minus strand). Cytogenetic location: 4q35.2.
Variant type: Deletion.
Coding change: c.10351-597_10412del on transcript NM_005245.4 (MANE Select); 597 bases into the intron before coding-DNA position 10351 through coding-DNA position 10412, 659 bases deleted.
Molecular consequence: splice acceptor variant.
Genome position (GRCh38, 1-based): chr4:186,604,513-186,605,171, 659 bases deleted. GRCh37 (hg19): chr4:187,525,669-187,526,327.
Identifiers: ClinVar variation 2833820 (VCV002833820.3), dbSNP rs2477359801, ClinGen allele CA2739270366.

ClinVar aggregate classification (germline): Likely pathogenic (1 of 4 stars; one submission).

Submission:

Labcorp Genetics (formerly Invitae), Labcorp
Classification: Likely pathogenic. Last evaluated: 2023-02-01. Review status: criteria provided, single submitter. Criteria: Invitae Variant Classification Sherloc (09022015). Collection method: clinical testing. Allele origin: germline.
Comment: This variant results in the deletion of part of exon 18 (c.10351-597_10412del) of the FAT1 gene. It is expected to disrupt RNA splicing. Variants that disrupt the donor or acceptor splice site typically lead to a loss of protein function (PMID: 16199547), and loss-of-function variants in FAT1 are known to be pathogenic (PMID: 30862798). This variant is not present in population databases (gnomAD no frequency). This variant has not been reported in the literature in individuals affected with FAT1-related conditions. In summary, the currently available evidence indicates that the variant is pathogenic, but additional data are needed to prove that conclusively. Therefore, this variant has been classified as Likely Pathogenic.

Literature cited by the submitters: PubMed 16199547; PubMed 30862798.